The following is an entry in ClinVar:

ClinVar aggregate classification (germline): Uncertain significance (1 of 4 stars; one submission).

Submission:

GeneDx
Classification: Uncertain significance. Last evaluated: 2022-12-12. Review status: criteria provided, single submitter. Criteria: GeneDx Variant Classification Process June 2021. Collection method: clinical testing. Allele origin: germline. Affected: yes.
Comment: Has not been previously published as pathogenic or benign to our knowledge; In silico analysis supports that this missense variant has a deleterious effect on protein structure/function

NM_014991.6(WDFY3):c.7639G>T (p.Gly2547Cys)

Gene: WDFY3 (WD repeat and FYVE domain containing 3; minus strand). Cytogenetic location: 4q21.23.
Variant type: single nucleotide variant.
Coding change: c.7639G>T on transcript NM_014991.6 (MANE Select); coding-DNA position 7639, G replaced by T.
Protein change: p.Gly2547Cys; replaces glycine 2547 with cysteine.
Molecular consequence: missense variant.
Genome position (GRCh38, 1-based): chr4:84,718,537, C>A on the plus strand (G>T on the coding strand, the complement: WDFY3 is on the minus strand). VCF-style: chr4-84718537-C-A. GRCh37 (hg19) VCF-style: chr4-85639690-C-A.
Other names: short protein forms G2547C.
Identifiers: ClinVar variation 1806544 (VCV001806544.1), dbSNP rs1188611937, ClinGen allele CA357544110.